The following is an entry in ClinVar:

ClinVar aggregate classification (germline): Uncertain significance. Review status: criteria provided, multiple submitters, no conflicts (2 of 4 stars). 2 submissions from 2 submitters: Uncertain significance (2). Last evaluated 2025-09-11.

Conditions:
Agammaglobulinemia 4, autosomal recessive (AGM4). Also called: AGAMMAGLOBULINEMIA, AUTOSOMAL RECESSIVE, DUE TO BLNK DEFECT; B cell linker protein deficiency. Identifiers: MedGen C3150752, MONDO:0013289, OMIM 613502.
Inborn genetic diseases. Identifiers: MedGen C0950123, MeSH D030342.

Allele frequency attached by ClinVar (database versions not stated): ExAC 0.00002; gnomAD 0.00002; gnomAD exomes 0.00002; TOPMed 0.00003; ESP Exome Variant Server 0.00008.
gnomAD v4.1: 42 of 1,613,930 alleles (0.0026%); highest among the groups gnomAD compares: Middle Eastern, 0.016%; no homozygotes.

Submissions (2):

Ambry Genetics
Classification: Uncertain significance for Inborn genetic diseases. Last evaluated: 2025-09-11. Review status: criteria provided, single submitter. Criteria: Ambry Variant Classification Scheme 2023. Collection method: clinical testing. Allele origin: germline.

Labcorp Genetics (formerly Invitae), Labcorp
Classification: Uncertain significance for Agammaglobulinemia 4, autosomal recessive. Last evaluated: 2023-10-05. Review status: criteria provided, single submitter. Criteria: Invitae Variant Classification Sherloc (09022015). Collection method: clinical testing. Allele origin: germline.
Comment: This sequence change replaces alanine, which is neutral and non-polar, with valine, which is neutral and non-polar, at codon 290 of the BLNK protein (p.Ala290Val). This variant is present in population databases (rs367742561, gnomAD 0.004%). This variant has not been reported in the literature in individuals affected with BLNK-related conditions. Advanced modeling of protein sequence and biophysical properties (such as structural, functional, and spatial information, amino acid conservation, physicochemical variation, residue mobility, and thermodynamic stability) performed at Invitae indicates that this missense variant is not expected to disrupt BLNK protein function. In summary, the available evidence is currently insufficient to determine the role of this variant in disease. Therefore, it has been classified as a Variant of Uncertain Significance.

NM_013314.4(BLNK):c.869C>T (p.Ala290Val)

Genes: BLNK (B cell linker; minus strand), ZNF518A (zinc finger protein 518A; plus strand). Cytogenetic location: 10q24.1.
Variant type: single nucleotide variant.
Coding change: c.869C>T on transcript NM_013314.4 (MANE Select); coding-DNA position 869, C replaced by T.
Protein change: p.Ala290Val; replaces alanine 290 with valine.
Molecular consequence: missense variant. On other transcripts: non-coding transcript variant (5).
Genome position (GRCh38, 1-based): chr10:96,204,565, G>A on the plus strand (C>T on the coding strand, the complement: BLNK is on the minus strand). VCF-style: chr10-96204565-G-A. GRCh37 (hg19) VCF-style: chr10-97964321-G-A.
Other names: c.800C>T, p.Ala267Val (NM_001114094.2, NM_001258441.2); c.869C>T, p.Ala290Val (NM_001258440.2); c.554C>T, p.Ala185Val (NM_001258442.2); short protein forms A290V, A185V, A267V.
Identifiers: ClinVar variation 2982626 (VCV002982626.4), dbSNP rs367742561, ClinGen allele CA5623279.